The following is an entry in ClinVar:

NM_033026.6(PCLO):c.3863G>A (p.Gly1288Glu)

Gene: PCLO (piccolo presynaptic cytomatrix protein; minus strand). Cytogenetic location: 7q21.11.
Variant type: single nucleotide variant.
Coding change: c.3863G>A on transcript NM_033026.6 (MANE Select); coding-DNA position 3863, G replaced by A.
Protein change: p.Gly1288Glu; replaces glycine 1288 with glutamic acid.
Molecular consequence: missense variant.
Genome position (GRCh38, 1-based): chr7:82,965,925, C>T on the plus strand (G>A on the coding strand, the complement: PCLO is on the minus strand). VCF-style: chr7-82965925-C-T. GRCh37 (hg19) VCF-style: chr7-82595241-C-T.
Other names: c.3863G>A, p.Gly1288Glu (NM_014510.3); c.3863G>A (NM_033026.5); short protein forms G1288E.
Identifiers: ClinVar variation 1382107 (VCV001382107.6), dbSNP rs370173546, ClinGen allele CA4320944.
Genomic context (GRCh38, chr7:82,965,925, plus strand): 5'-TTAGGTAAACTCTGAGGTGTGCCAGATGGTAAACCTTCCATCTTGGTCTGTGGTTGTTTC[C>T]CTTCTTGCACTGTCTTTGGAGCCACTCTGCCTTCAAGCTTTTCTTCAGCAATTTGTACTT-3'
Protein context (NP_149015.2, residues 1278-1298): GRVAPKTVQE[Gly1288Glu]KQPQTKMEGL

ClinVar aggregate classification (germline): Conflicting classifications of pathogenicity. Review status: criteria provided, conflicting classifications (1 of 4 stars). 2 submissions from 2 submitters: Uncertain significance (1); Likely benign (1). Last evaluated 2022-07-26.

Conditions:
Inborn genetic diseases. Identifiers: MedGen C0950123, MeSH D030342.

Allele frequency attached by ClinVar (database versions not stated): TOPMed below 0.00001; ExAC 0.00001; gnomAD 0.00001; gnomAD exomes 0.00001; ESP Exome Variant Server 0.00008.
gnomAD v4.1: 6 of 1,613,682 alleles (0.00037%); highest among the groups gnomAD compares: Middle Eastern, 0.016%; no homozygotes.

Submissions (2):

Labcorp Genetics (formerly Invitae), Labcorp
Classification: Uncertain significance. Last evaluated: 2022-07-26. Review status: criteria provided, single submitter. Criteria: Invitae Variant Classification Sherloc (09022015). Collection method: clinical testing. Allele origin: germline.
Comment: This sequence change replaces glycine, which is neutral and non-polar, with glutamic acid, which is acidic and polar, at codon 1288 of the PCLO protein (p.Gly1288Glu). This variant is present in population databases (rs370173546, gnomAD 0.002%). This variant has not been reported in the literature in individuals affected with PCLO-related conditions. ClinVar contains an entry for this variant (Variation ID: 1382107). Algorithms developed to predict the effect of missense changes on protein structure and function output the following: SIFT: "Tolerated"; PolyPhen-2: "Not Available"; Align-GVGD: "Class C0". The glutamic acid amino acid residue is found in multiple mammalian species, which suggests that this missense change does not adversely affect protein function. In summary, the available evidence is currently insufficient to determine the role of this variant in disease. Therefore, it has been classified as a Variant of Uncertain Significance.

Ambry Genetics
Classification: Likely benign for Inborn genetic diseases. Last evaluated: 2021-11-30. Review status: criteria provided, single submitter. Criteria: Ambry Variant Classification Scheme 2023. Collection method: clinical testing. Allele origin: germline.